The following is an entry in ClinVar:

ClinVar aggregate classification (germline): Uncertain significance. Review status: criteria provided, multiple submitters, no conflicts (2 of 4 stars). 6 submissions from 6 submitters: Uncertain significance (6). Last evaluated 2024-12-09.

Conditions:
Fanconi anemia complementation group P. Also called: SLX4-Related Fanconi Anemia. Identifiers: Orphanet 84, MedGen C3469542, MONDO:0013499, OMIM 613951.
Fanconi anemia (FA). Also called: Fanconi's anemia. Identifiers: Orphanet 84, MedGen C0015625, MeSH D005199, MONDO:0019391.

Allele frequency attached by ClinVar (database versions not stated): gnomAD exomes 0.00004 and 0.00002; gnomAD 0.00005; ExAC 0.00007; ESP Exome Variant Server 0.00008; TOPMed 0.00009.

Submissions (6):

Labcorp Genetics (formerly Invitae), Labcorp
Classification: Uncertain significance for Fanconi anemia. Last evaluated: 2024-12-09. Review status: criteria provided, single submitter. Criteria: Invitae Variant Classification Sherloc (09022015). Collection method: clinical testing. Allele origin: germline.
Comment: This sequence change replaces arginine, which is basic and polar, with cysteine, which is neutral and slightly polar, at codon 1046 of the SLX4 protein (p.Arg1046Cys). This variant is present in population databases (rs140529288, gnomAD 0.03%). This variant has not been reported in the literature in individuals affected with SLX4-related conditions. ClinVar contains an entry for this variant (Variation ID: 561112). An algorithm developed to predict the effect of missense changes on protein structure and function outputs the following: PolyPhen-2: "Benign". The cysteine amino acid residue is found in multiple mammalian species, which suggests that this missense change does not adversely affect protein function. In summary, the available evidence is currently insufficient to determine the role of this variant in disease. Therefore, it has been classified as a Variant of Uncertain Significance.

Fulgent Genetics
Classification: Uncertain significance for Fanconi anemia complementation group P. Last evaluated: 2022-04-08. Review status: criteria provided, single submitter. Criteria: ACMG Guidelines, 2015. Collection method: clinical testing. Allele origin: unknown.

Sema4
Classification: Uncertain significance for Fanconi anemia. Last evaluated: 2021-05-18. Review status: criteria provided, single submitter. Criteria: Sema4 Curation Guidelines. Collection method: curation. Allele origin: germline.
Comment: The SLX4 c.3136C>T (p.R1046C) variant has not been reported in the literature to our knowledge. It was observed in 8/24742 chromosomes in the African/African American subpopulation in the large and broad cohorts of the Genome Aggregation Database (PMID: 32461654). The variant has been reported in ClinVar (Variation ID: 561112). In silico tools suggest the impact of the variant on protein function is benign, though these predictions have not been confirmed by functional studies. The evidence is insufficient to meet ACMG/AMP criteria for classifying the variant as benign or pathogenic. Thus, the clinical significance of this variant is currently uncertain.

Blueprint Genetics
Classification: Uncertain significance. Last evaluated: 2020-09-16. Review status: criteria provided, single submitter. Criteria: ACMG Guidelines, 2015. Collection method: clinical testing. Allele origin: germline.

Revvity Omics, Revvity
Classification: Uncertain significance for Fanconi anemia complementation group P. Last evaluated: 2019-09-07. Review status: criteria provided, single submitter. Criteria: ACMG Guidelines, 2015. Collection method: clinical testing. Allele origin: germline.

Baylor Genetics
Classification: Uncertain significance for Fanconi anemia complementation group P. Last evaluated: 2017-09-01. Review status: criteria provided, single submitter. Criteria: ACMG Guidelines, 2015. Collection method: clinical testing. Allele origin: germline. Inheritance: Autosomal recessive inheritance.

Literature cited by the submitters: PubMed 25326635 (cited by Baylor Genetics).

NM_032444.4(SLX4):c.3136C>T (p.Arg1046Cys)

Gene: SLX4 (SLX4 structure-specific endonuclease subunit; minus strand). Cytogenetic location: 16p13.3.
Variant type: single nucleotide variant.
Coding change: c.3136C>T on transcript NM_032444.4 (MANE Select); coding-DNA position 3136, C replaced by T.
Protein change: p.Arg1046Cys; replaces arginine 1046 with cysteine.
Molecular consequence: missense variant.
Genome position (GRCh38, 1-based): chr16:3,590,502, G>A on the plus strand (C>T on the coding strand, the complement: SLX4 is on the minus strand). VCF-style: chr16-3590502-G-A. GRCh37 (hg19) VCF-style: chr16-3640503-G-A.
Other names: c.3136C>T (LRG_503t1); short protein forms R1046C.
Identifiers: ClinVar variation 561112 (VCV000561112.15), dbSNP rs140529288, ClinGen allele CA7865984.
Genomic context (GRCh38, chr16:3,590,502, plus strand): 5'-AAGTTCCGCCACGGGACCGGGGTGTTGACAGGGACGACCCACTTGTGTGATGAGACCCGC[G>A]GGGACTCCCGCCCTGGGGAGGCCCCAATAGGAAGCGGCACGGGTGCGGTGGAGATGCCTG-3'
Protein context (NP_115820.2, residues 1036-1056): LLGPPQGGSP[Arg1046Cys]GSHHTSGSSL